The following is an entry in ClinVar:

ClinVar aggregate classification (germline): Uncertain significance. Review status: criteria provided, multiple submitters, no conflicts (2 of 4 stars). 3 submissions from 3 submitters: Uncertain significance (3). Last evaluated 2026-06-03.

Conditions:
Saldino-Mainzer syndrome (SRTD9). Also called: CONORENAL SYNDROME; SHORT-RIB THORACIC DYSPLASIA 9 WITHOUT POLYDACTYLY; Renal dysplasia, retinal pigmentary dystrophy, cerebellar ataxia and skeletal dysplasia; short-rib thoracic dysplasia 9 with or without polydactyly. Identifiers: Orphanet 140969, MedGen C1849437, MONDO:0009964, OMIM 266920.
Retinitis pigmentosa 80 (RP80). Identifiers: MedGen C4540439, MONDO:0054708, OMIM 617781.
Inborn genetic diseases. Identifiers: MedGen C0950123, MeSH D030342.

gnomAD v4.1: 1 of 1,614,102 alleles (0.000062%); highest among the groups gnomAD compares: South Asian, 0.0011%; no homozygotes.

Submissions (3):

Ambry Genetics
Classification: Uncertain significance for Inborn genetic diseases. Last evaluated: 2026-06-03. Review status: criteria provided, single submitter. Criteria: Ambry Variant Classification Scheme 2023. Collection method: clinical testing. Allele origin: germline.

Labcorp Genetics (formerly Invitae), Labcorp
Classification: Uncertain significance for Saldino-Mainzer syndrome. Last evaluated: 2025-09-30. Review status: criteria provided, single submitter. Criteria: Invitae Variant Classification Sherloc (09022015). Collection method: clinical testing. Allele origin: germline.
Comment: This sequence change replaces isoleucine, which is neutral and non-polar, with threonine, which is neutral and polar, at codon 1234 of the IFT140 protein (p.Ile1234Thr). This variant is not present in population databases (gnomAD no frequency). This variant has not been reported in the literature in individuals affected with IFT140-related conditions. ClinVar contains an entry for this variant (Variation ID: 3578477). Invitae Evidence Modeling of protein sequence and biophysical properties (such as structural, functional, and spatial information, amino acid conservation, physicochemical variation, residue mobility, and thermodynamic stability) has been performed for this missense variant. However, the output from this modeling did not meet the statistical confidence thresholds required to predict the impact of this variant on IFT140 protein function. In summary, the available evidence is currently insufficient to determine the role of this variant in disease. Therefore, it has been classified as a Variant of Uncertain Significance.

Fulgent Genetics
Classification: Uncertain significance for Saldino-Mainzer syndrome; Retinitis pigmentosa 80. Last evaluated: 2024-05-14. Review status: criteria provided, single submitter. Criteria: ACMG Guidelines, 2015. Collection method: clinical testing. Allele origin: germline.

NM_014714.4(IFT140):c.3701T>C (p.Ile1234Thr)

Gene: IFT140 (intraflagellar transport 140; minus strand). Cytogenetic location: 16p13.3.
Variant type: single nucleotide variant.
Coding change: c.3701T>C on transcript NM_014714.4 (MANE Select); coding-DNA position 3701, T replaced by C.
Protein change: p.Ile1234Thr; replaces isoleucine 1234 with threonine.
Molecular consequence: missense variant.
Genome position (GRCh38, 1-based): chr16:1,520,303, A>G on the plus strand (T>C on the coding strand, the complement: IFT140 is on the minus strand). VCF-style: chr16-1520303-A-G. GRCh37 (hg19) VCF-style: chr16-1570304-A-G.
Other names: c.3701T>C (NM_014714.3); short protein forms I1234T.
Identifiers: ClinVar variation 3578477 (VCV003578477.3).